The following is an entry in ClinVar:

NM_000153.4(GALC):c.691G>A (p.Glu231Lys)

Gene: GALC (galactosylceramidase; minus strand). Cytogenetic location: 14q31.3.
Variant type: single nucleotide variant.
Coding change: c.691G>A on transcript NM_000153.4 (MANE Select); coding-DNA position 691, G replaced by A.
Protein change: p.Glu231Lys; replaces glutamic acid 231 with lysine.
Molecular consequence: missense variant.
Genome position (GRCh38, 1-based): chr14:87,976,419, C>T on the plus strand (G>A on the coding strand, the complement: GALC is on the minus strand). VCF-style: chr14-87976419-C-T. GRCh37 (hg19) VCF-style: chr14-88442763-C-T.
Other names: c.622G>A, p.Glu208Lys (NM_001201401.2); c.613G>A, p.Glu205Lys (NM_001201402.2); short protein forms E231K, E208K, E205K.
Identifiers: ClinVar variation 553651 (VCV000553651.5), dbSNP rs542231350, ClinGen allele CA7297277.

ClinVar aggregate classification (germline): Uncertain significance. Review status: criteria provided, multiple submitters, no conflicts (2 of 4 stars). 3 submissions from 3 submitters: Uncertain significance (2). 1 of the submissions does not count toward it. Last evaluated 2023-03-09.

Conditions:
Galactosylceramide beta-galactosidase deficiency. Also called: GALACTOCEREBROSIDASE DEFICIENCY; GALC DEFICIENCY; GLOBOID CELL LEUKOENCEPHALOPATHY; Leukodystrophy, Globoid Cell; Krabbe Disease. Identifiers: Orphanet 487, MedGen C0023521, MONDO:0009499, OMIM 245200.

Allele frequency attached by ClinVar (database versions not stated): gnomAD below 0.00001 and 0.00002; gnomAD exomes 0.00002 and 0.00004; ExAC 0.00003; 1000 Genomes Project 30x 0.00016; 1000 Genomes Project 0.00020.
gnomAD v4.1: 39 of 1,613,616 alleles (0.0024%); highest among the groups gnomAD compares: South Asian, 0.042%; 1 homozygote.

Submissions (3):

Women's Health and Genetics/Laboratory Corporation of America, LabCorp
Classification: Uncertain significance. Last evaluated: 2023-03-09. Review status: criteria provided, single submitter. Criteria: LabCorp Variant Classification Summary - May 2015. Collection method: clinical testing. Allele origin: germline.
Comment: Variant summary: GALC c.691G>A (p.Glu231Lys) results in a conservative amino acid change in the encoded protein sequence. Three of five in-silico tools predict a benign effect of the variant on protein function. The variant allele was found at a frequency of 4e-05 in 249352 control chromosomes. This frequency is not significantly higher than estimated for a pathogenic variant in GALC causing Krabbe Disease (4e-05 vs 0.0022), allowing no conclusion about variant significance. c.691G>A has been reported in the literature in individuals affected with late-onset globoid-cell leukodystrophy (GLD) (example: DeGasperi_1996). These report(s) do not provide unequivocal conclusions about association of the variant with Krabbe Disease. At least one publication reports experimental evidence evaluating an impact on protein function (examples: DeGasperi_1996, Spratley_2016). The most pronounced variant effect results in 70-85% of normal activity (DeGasperi_1996). Two ClinVar submitters have submitted clinical-significance assessments for this variant to ClinVar after 2014 without evidence for independent evaluation. All laboratories classified the variant as uncertain significance (n=2). Based on the evidence outlined above, the variant was classified as uncertain significance.

Labcorp Genetics (formerly Invitae), Labcorp
Classification: Uncertain significance for Galactosylceramide beta-galactosidase deficiency. Last evaluated: 2022-02-06. Review status: criteria provided, single submitter. Criteria: Invitae Variant Classification Sherloc (09022015). Collection method: clinical testing. Allele origin: germline.
Comment: This sequence change replaces glutamic acid, which is acidic and polar, with lysine, which is basic and polar, at codon 231 of the GALC protein (p.Glu231Lys). This variant is present in population databases (rs542231350, gnomAD 0.03%). This missense change has been observed in individual(s) with Krabbe disease (PMID: 8940268). In at least one individual the data is consistent with being in trans (on the opposite chromosome) from a pathogenic variant. It has also been observed to segregate with disease in related individuals. This variant is also known as E215K. ClinVar contains an entry for this variant (Variation ID: 553651). Advanced modeling of protein sequence and biophysical properties (such as structural, functional, and spatial information, amino acid conservation, physicochemical variation, residue mobility, and thermodynamic stability) performed at Invitae indicates that this missense variant is not expected to disrupt GALC protein function. Experimental studies are conflicting or provide insufficient evidence to determine the effect of this variant on GALC function (PMID: 8940268, 27126738). In summary, the available evidence is currently insufficient to determine the role of this variant in disease. Therefore, it has been classified as a Variant of Uncertain Significance.

Counsyl
Classification: Uncertain significance for Galactosylceramide beta-galactosidase deficiency. Last evaluated: 2017-09-01. Review status: no assertion criteria provided. Collection method: clinical testing. Allele origin: unknown. Not counted in ClinVar's aggregate classification.

Literature cited by the submitters: PubMed 8940268 (cited by 3 submitters); PubMed 27126738 (cited by 3 submitters); PubMed 21876145 (cited by Women's Health and Genetics/Laboratory Corporation of America, LabCorp and Counsyl).